The following is an entry in ClinVar:

NM_004415.4(DSP):c.7341A>C (p.Lys2447Asn)

Gene: DSP (desmoplakin; plus strand). Cytogenetic location: 6p24.3.
Variant type: single nucleotide variant.
Coding change: c.7341A>C on transcript NM_004415.4 (MANE Select); coding-DNA position 7341, A replaced by C.
Protein change: p.Lys2447Asn; replaces lysine 2447 with asparagine.
Molecular consequence: missense variant.
Genome position (GRCh38, 1-based): chr6:7,584,603, A>C. VCF-style: chr6-7584603-A-C. GRCh37 (hg19) VCF-style: chr6-7584836-A-C.
Other names: c.5544A>C, p.Lys1848Asn (NM_001008844.3); c.6012A>C, p.Lys2004Asn (NM_001319034.2); c.7341A>C (LRG_423t1); short protein forms K2004N, K2447N, K1848N.
Identifiers: ClinVar variation 662716 (VCV000662716.5), dbSNP rs755448403, ClinGen allele CA049694.
Genomic context (GRCh38, chr6:7,584,603, plus strand): 5'-GCAACTAAAAGAAAGATGCATTAAGGATGAGGAAACAGGGCTCTGTCTTCTGCCTCTGAA[A>C]GAAAAGAAGAAACAGGTGCAGACATCACAAAAGAATACCCTCAGGAAGCGTAGAGTGGTC-3'
Protein context (NP_004406.2, residues 2437-2457): EETGLCLLPL[Lys2447Asn]EKKKQVQTSQ

ClinVar aggregate classification (germline): Uncertain significance. Review status: criteria provided, multiple submitters, no conflicts (2 of 4 stars). 2 submissions from 2 submitters: Uncertain significance (2). Last evaluated 2024-03-07.

Conditions:
Arrhythmogenic cardiomyopathy with wooly hair and keratoderma. Also called: Dilated cardiomyopathy with woolly hair and keratoderma; Arrhythmogenic cardiomyopathy with woolly hair and keratoderma; Carvajal syndrome; PALMOPLANTAR KERATODERMA WITH LEFT VENTRICULAR CARDIOMYOPATHY AND WOOLLY HAIR. Identifiers: Orphanet 65282, MedGen C1854063, MONDO:0011581, OMIM 605676.
Arrhythmogenic right ventricular dysplasia 8 (ARVD8). Also called: Arrhythmogenic Right Ventricular Dysplasia/Cardiomyopathy 8; ARRHYTHMOGENIC RIGHT VENTRICULAR CARDIOMYOPATHY 8; ARRHYTHMOGENIC RIGHT VENTRICULAR DYSPLASIA, FAMILIAL, 8. Identifiers: MedGen C1843896, MONDO:0011831, OMIM 607450.
Cardiomyopathy (CMYO). Also called: Cardiomyopathies. Identifiers: Orphanet 167848, MedGen C0878544, MONDO:0004994, HP:0001638. Inheritance: Various modes of inheritance.

Allele frequency attached by ClinVar (database versions not stated): gnomAD exomes below 0.00001 and 0.00001; ExAC 0.00001.
gnomAD v4.1: 2 of 1,614,078 alleles (0.00012%); highest among the groups gnomAD compares: East Asian, 0.0045%; no homozygotes.

Submissions (2):

Color Diagnostics, LLC DBA Color Health
Classification: Uncertain significance for Cardiomyopathy. Last evaluated: 2024-03-07. Review status: criteria provided, single submitter. Criteria: ACMG Guidelines, 2015. Collection method: clinical testing. Allele origin: germline.
Comment: This missense variant replaces lysine with asparagine at codon 2447 of the DSP protein. Computational prediction tool suggests that this variant may not impact protein structure and function (internally defined REVEL score threshold <=0.5, PMID: 27666373). Splice site prediction tools suggest that this variant may not impact RNA splicing. To our knowledge, functional studies have not been performed for this variant. This variant has not been reported in individuals affected with cardiovascular disorders in the literature. This variant has been identified in 2/251160 chromosomes in the general population by the Genome Aggregation Database (gnomAD). The available evidence is insufficient to determine the role of this variant in disease conclusively. Therefore, this variant is classified as a Variant of Uncertain Significance.

Labcorp Genetics (formerly Invitae), Labcorp
Classification: Uncertain significance for Dilated cardiomyopathy with woolly hair and keratoderma; Arrhythmogenic right ventricular cardiomyopathy, type 8. Last evaluated: 2018-09-14. Review status: criteria provided, single submitter. Criteria: Invitae Variant Classification Sherloc (09022015). Collection method: clinical testing. Allele origin: germline.
Comment: This sequence change replaces lysine with asparagine at codon 2447 of the DSP protein (p.Lys2447Asn). The lysine residue is moderately conserved and there is a moderate physicochemical difference between lysine and asparagine. This variant is present in population databases (rs755448403, ExAC 0.01%). This variant has not been reported in the literature in individuals with DSP-related disease. Algorithms developed to predict the effect of missense changes on protein structure and function (SIFT, PolyPhen-2, Align-GVGD) all suggest that this variant is likely to be tolerated, but these predictions have not been confirmed by published functional studies and their clinical significance is uncertain. In summary, the available evidence is currently insufficient to determine the role of this variant in disease. Therefore, it has been classified as a Variant of Uncertain Significance.